The following is an entry in ClinVar:

NM_018671.5(UNC45A):c.1484G>A (p.Arg495His)

Gene: UNC45A (unc-45 myosin chaperone A; plus strand). Cytogenetic location: 15q26.1.
Variant type: single nucleotide variant.
Coding change: c.1484G>A on transcript NM_018671.5 (MANE Select); coding-DNA position 1484, G replaced by A.
Protein change: p.Arg495His; replaces arginine 495 with histidine.
Molecular consequence: missense variant.
Genome position (GRCh38, 1-based): chr15:90,946,898, G>A. VCF-style: chr15-90946898-G-A. GRCh37 (hg19) VCF-style: chr15-91490128-G-A.
Other names: c.1439G>A, p.Arg480His (NM_001039675.2, NM_001323621.2); c.1484G>A, p.Arg495His (NM_001323619.1); c.1049G>A, p.Arg350His (NM_001323620.2); short protein forms R495H, R480H, R350H.
Identifiers: ClinVar variation 1428572 (VCV001428572.3), dbSNP rs777566808, ClinGen allele CA7742915.

ClinVar aggregate classification (germline): Uncertain significance (1 of 4 stars; one submission).

Allele frequency attached by ClinVar (database versions not stated): gnomAD 0.00005 and 0.00006; gnomAD exomes 0.00006; ExAC 0.00007; TOPMed 0.00008.

Submission:

Labcorp Genetics (formerly Invitae), Labcorp
Classification: Uncertain significance. Last evaluated: 2022-08-23. Review status: criteria provided, single submitter. Criteria: Invitae Variant Classification Sherloc (09022015). Collection method: clinical testing. Allele origin: germline.
Comment: This sequence change replaces arginine, which is basic and polar, with histidine, which is basic and polar, at codon 495 of the UNC45A protein (p.Arg495His). This variant is present in population databases (rs777566808, gnomAD 0.01%). This variant has not been reported in the literature in individuals affected with UNC45A-related conditions. ClinVar contains an entry for this variant (Variation ID: 1428572). Experimental studies and prediction algorithms are not available or were not evaluated, and the functional significance of this variant is currently unknown. In summary, the available evidence is currently insufficient to determine the role of this variant in disease. Therefore, it has been classified as a Variant of Uncertain Significance.